The following is an entry in ClinVar:

ClinVar aggregate classification (germline): Uncertain significance. Review status: criteria provided, multiple submitters, no conflicts (2 of 4 stars). 2 submissions from 2 submitters: Uncertain significance (2). Last evaluated 2024-06-17.

Conditions:
Infantile nephronophthisis (NPHP2). Also called: Nephronophthisis 2, infantile; Nephronophthisis 2. Identifiers: Orphanet 655, Orphanet 93591, MedGen C1865872, MONDO:0011190, OMIM 602088.
Nephronophthisis. Also called: Juvenile Nephronophthisis. Identifiers: Orphanet 655, MedGen C0687120, MONDO:0019005, HP:0000090.

Allele frequency attached by ClinVar (database versions not stated): gnomAD exomes below 0.00001 and 0.00001; ExAC 0.00001; gnomAD 0.00001; TOPMed 0.00003.
gnomAD v4.1: 5 of 1,614,180 alleles (0.00031%); highest among the groups gnomAD compares: East Asian, 0.0067%; no homozygotes.

Submissions (2):

Fulgent Genetics
Classification: Uncertain significance for Infantile nephronophthisis. Last evaluated: 2024-06-17. Review status: criteria provided, single submitter. Criteria: ACMG Guidelines, 2015. Collection method: clinical testing. Allele origin: germline.

Labcorp Genetics (formerly Invitae), Labcorp
Classification: Uncertain significance for Nephronophthisis. Last evaluated: 2021-08-20. Review status: criteria provided, single submitter. Criteria: Invitae Variant Classification Sherloc (09022015). Collection method: clinical testing. Allele origin: germline.
Comment: This sequence change replaces aspartic acid with asparagine at codon 754 of the INVS protein (p.Asp754Asn). The aspartic acid residue is weakly conserved and there is a small physicochemical difference between aspartic acid and asparagine. This variant is present in population databases (rs115401137, ExAC 0.01%). This variant has not been reported in the literature in individuals affected with INVS-related conditions. Algorithms developed to predict the effect of missense changes on protein structure and function (SIFT, PolyPhen-2, Align-GVGD) all suggest that this variant is likely to be tolerated. In summary, the available evidence is currently insufficient to determine the role of this variant in disease. Therefore, it has been classified as a Variant of Uncertain Significance.

NM_014425.5(INVS):c.2260G>A (p.Asp754Asn)

Gene: INVS (inversin; plus strand). Cytogenetic location: 9q31.1.
Variant type: single nucleotide variant.
Coding change: c.2260G>A on transcript NM_014425.5 (MANE Select); coding-DNA position 2260, G replaced by A.
Protein change: p.Asp754Asn; replaces aspartic acid 754 with asparagine.
Molecular consequence: missense variant. On other transcripts: non-coding transcript variant (1).
Genome position (GRCh38, 1-based): chr9:100,292,517, G>A. VCF-style: chr9-100292517-G-A. GRCh37 (hg19) VCF-style: chr9-103054799-G-A.
Other names: c.1972G>A, p.Asp658Asn (NM_001318381.2); c.1282G>A, p.Asp428Asn (NM_001318382.2); short protein forms D754N, D428N, D658N.
Identifiers: ClinVar variation 462712 (VCV000462712.7), dbSNP rs115401137, ClinGen allele CA5158586.
Genomic context (GRCh38, chr9:100,292,517, plus strand): 5'-CGGTGTGCAAAGGGGAAAGGCTTCGTGAAGCAGCCCTCCTGTATCAGGGTGGCTGGGCCT[G>A]ATGAGAAAGGAGAGGACTCCAGGCGGGCAGCTGCAAGCCTTCCACCGCACGATAGCCACT-3'
Protein context (NP_055240.2, residues 744-764): QPSCIRVAGP[Asp754Asn]EKGEDSRRAA